The following is an entry in ClinVar:

NM_002303.6(LEPR):c.1191T>G (p.Asn397Lys)

Gene: LEPR (leptin receptor; plus strand). Cytogenetic location: 1p31.3.
Variant type: single nucleotide variant.
Coding change: c.1191T>G on transcript NM_002303.6 (MANE Select); coding-DNA position 1191, T replaced by G.
Protein change: p.Asn397Lys; replaces asparagine 397 with lysine.
Molecular consequence: missense variant.
Genome position (GRCh38, 1-based): chr1:65,601,588, T>G. VCF-style: chr1-65601588-T-G. GRCh37 (hg19) VCF-style: chr1-66067271-T-G.
Other names: c.1191T>G, p.Asn397Lys (NM_001003679.3, NM_001003680.3, NM_001198687.2 and 2 more transcripts); short protein forms N397K.
Identifiers: ClinVar variation 2632072 (VCV002632072.3), dbSNP rs1240886891, ClinGen allele CA340668425.

ClinVar aggregate classification (germline): Uncertain significance. Review status: criteria provided, multiple submitters, no conflicts (2 of 4 stars). 2 submissions from 2 submitters: Uncertain significance (2). Last evaluated 2025-07-30.

Conditions:
Inborn genetic diseases. Identifiers: MedGen C0950123, MeSH D030342.
LEPR-related disorder. Also called: LEPR-related condition; LEPR-related disorders.

gnomAD v4.1: 24 of 1,613,678 alleles (0.0015%); highest among the groups gnomAD compares: Non-Finnish European, 0.0019%; no homozygotes.

Submissions (2):

PreventionGenetics, part of Exact Sciences
Classification: Uncertain significance for LEPR-related condition. Last evaluated: 2025-07-30. Review status: criteria provided, single submitter. Criteria: ACMG Guidelines, 2015. Collection method: clinical testing. Allele origin: germline.
Comment: The LEPR c.1191T>G variant is predicted to result in the amino acid substitution p.Asn397Lys. This variant has been observed in a cohort of individuals with obesity, and in vitro functional studies showed function similar to that of wildtype levels (Supplemental Data Set, Shah et al. 2023. PubMed ID: 36864747). This variant is reported in 0.0018% of alleles in individuals of European (Non-Finnish) descent in gnomAD. At this time, the clinical significance of this variant is uncertain due to the absence of conclusive functional and genetic evidence.

Ambry Genetics
Classification: Uncertain significance for Inborn genetic diseases. Last evaluated: 2025-06-18. Review status: criteria provided, single submitter. Criteria: Ambry Variant Classification Scheme 2023. Collection method: clinical testing. Allele origin: germline.